The following is an entry in ClinVar:

ClinVar aggregate classification (germline): Benign. Review status: criteria provided, multiple submitters, no conflicts (2 of 4 stars). 5 submissions from 5 submitters: Benign (4). 1 of the submissions does not count toward it. Last evaluated 2026-02-02.

Allele frequency attached by ClinVar (database versions not stated): 1000 Genomes Project 30x 0.22064; 1000 Genomes Project 0.22204; TOPMed 0.26287; gnomAD 0.27868 and 0.27956; ESP Exome Variant Server 0.29346; gnomAD exomes 0.31623; ExAC 0.32150.

Submissions (5):

Labcorp Genetics (formerly Invitae), Labcorp
Classification: Benign. Last evaluated: 2026-02-02. Review status: criteria provided, single submitter. Criteria: Invitae Variant Classification Sherloc (09022015). Collection method: clinical testing. Allele origin: germline.

Blueprint Genetics
Classification: Benign. Last evaluated: 2024-11-27. Review status: criteria provided, single submitter. Criteria: ACMG Guidelines, 2015. Collection method: clinical testing. Allele origin: germline.

Unidad de Genómica Garrahan, Hospital de Pediatría Garrahan
Classification: Benign. Last evaluated: 2024-07-31. Review status: criteria provided, single submitter. Criteria: ACMG Guidelines, 2015. Collection method: clinical testing. Allele origin: germline. Affected: no. Observed: 45 variant alleles.
Comment: This variant is classified as Benign based on local population frequency. This variant was detected in 48% of patients studied in a panel designed for Epileptic and Developmental Encephalopathy, Progressive Myoclonus Epilepsy and Abnormal Movements and Neurodegeneration with brain iron accumulation. Number of patients: 45. Only high quality variants are reported.

GeneDx
Classification: Benign. Last evaluated: 2015-12-16. Review status: criteria provided, single submitter. Criteria: GeneDx Variant Classification (06012015). Collection method: clinical testing. Allele origin: germline. Affected: yes.
Comment: This variant is considered likely benign or benign based on one or more of the following criteria: it is a conservative change, it occurs at a poorly conserved position in the protein, it is predicted to be benign by multiple in silico algorithms, and/or has population frequency not consistent with disease.

Mayo Clinic Laboratories, Mayo Clinic
Classification: Benign. Last evaluated: 2016-02-19. Review status: no assertion criteria provided. Collection method: clinical testing. Allele origin: unknown. Not counted in ClinVar's aggregate classification.

NM_020442.6(VARS2):c.21C>T (p.Ala7=)

Gene: VARS2 (valyl-tRNA synthetase 2, mitochondrial; plus strand). Cytogenetic location: 6p21.33.
Variant type: single nucleotide variant.
Coding change: c.21C>T on transcript NM_020442.6 (MANE Select); coding-DNA position 21, C replaced by T.
Protein change: p.Ala7=; no amino-acid change (alanine 7 retained).
Molecular consequence: synonymous variant. On other transcripts: intron variant (1).
Genome position (GRCh38, 1-based): chr6:30,914,857, C>T. VCF-style: chr6-30914857-C-T. GRCh37 (hg19) VCF-style: chr6-30882634-C-T.
Other names: c.111C>T, p.Ala37= (NM_001167734.2); c.-219-299C>T (NM_001167733.3).
Identifiers: ClinVar variation 380149 (VCV000380149.16), dbSNP rs1264302, ClinGen allele CA3705481.